The following is an entry in ClinVar:

ClinVar aggregate classification (germline): Likely benign. Review status: criteria provided, multiple submitters, no conflicts (2 of 4 stars). 2 submissions from 2 submitters: Likely benign (2). Last evaluated 2024-06-26.

Conditions:
Aortic aneurysm, familial thoracic 4 (AAT4). Also called: AORTIC ANEURYSM/AORTIC DISSECTION AND PATENT DUCTUS ARTERIOSUS. Identifiers: MedGen C1851504, MONDO:0007568, OMIM 132900.

Allele frequency attached by ClinVar (database versions not stated): TOPMed below 0.00001; ExAC 0.00001; gnomAD 0.00001; gnomAD exomes 0.00001.
gnomAD v4.1: 4 of 1,613,864 alleles (0.00025%); highest among the groups gnomAD compares: Non-Finnish European, 0.00034%; no homozygotes.

Submissions (2):

Labcorp Genetics (formerly Invitae), Labcorp
Classification: Likely benign for Aortic aneurysm, familial thoracic 4. Last evaluated: 2024-06-26. Review status: criteria provided, single submitter. Criteria: Invitae Variant Classification Sherloc (09022015). Collection method: clinical testing. Allele origin: germline.

GeneDx
Classification: Likely benign. Last evaluated: 2016-03-07. Review status: criteria provided, single submitter. Criteria: GeneDx Variant Classification (06012015). Collection method: clinical testing. Allele origin: germline. Affected: yes.
Comment: This variant is considered likely benign or benign based on one or more of the following criteria: it is a conservative change, it occurs at a poorly conserved position in the protein, it is predicted to be benign by multiple in silico algorithms, and/or has population frequency not consistent with disease.

NM_002474.3(MYH11):c.2653-18C>T

Gene: MYH11 (myosin heavy chain 11; minus strand). Cytogenetic location: 16p13.11.
Variant type: single nucleotide variant.
Coding change: c.2653-18C>T on transcript NM_002474.3 (MANE Select); 18 bases into the intron before coding-DNA position 2653, C replaced by T.
Molecular consequence: intron variant.
Genome position (GRCh38, 1-based): chr16:15,741,687, G>A on the plus strand (C>T on the coding strand, the complement: MYH11 is on the minus strand). VCF-style: chr16-15741687-G-A. GRCh37 (hg19) VCF-style: chr16-15835544-G-A.
Other names: c.2653-18C>T (NM_022844.3); c.2674-18C>T (NM_001040114.2, NM_001040113.2).
Identifiers: ClinVar variation 384452 (VCV000384452.3), dbSNP rs779072925, ClinGen allele CA7922195.